The following is an entry in ClinVar:

ClinVar aggregate classification (germline): Uncertain significance (1 of 4 stars; one submission).

Conditions:
Inborn genetic diseases. Identifiers: MedGen C0950123, MeSH D030342.

Allele frequency attached by ClinVar (database versions not stated): gnomAD exomes 0.00001.
gnomAD v4.1: 13 of 1,613,398 alleles (0.00081%); highest among the groups gnomAD compares: Non-Finnish European, 0.0011%; no homozygotes.

Submission:

Ambry Genetics
Classification: Uncertain significance for Inborn genetic diseases. Last evaluated: 2025-11-25. Review status: criteria provided, single submitter. Criteria: Ambry Variant Classification Scheme 2023. Collection method: clinical testing. Allele origin: germline.
Comment: The p.P252L variant (also known as c.755C>T), located in coding exon 7 of the BUB1B gene, results from a C to T substitution at nucleotide position 755. The proline at codon 252 is replaced by leucine, an amino acid with similar properties. This amino acid position is conserved. In addition, this alteration is predicted to be tolerated by in silico analysis. Since supporting evidence is limited at this time, the clinical significance of this alteration remains unclear.

NM_001211.6(BUB1B):c.755C>T (p.Pro252Leu)

Gene: BUB1B (BUB1 mitotic checkpoint serine/threonine kinase B; plus strand). Cytogenetic location: 15q15.1.
Variant type: single nucleotide variant.
Coding change: c.755C>T on transcript NM_001211.6 (MANE Select); coding-DNA position 755, C replaced by T.
Protein change: p.Pro252Leu; replaces proline 252 with leucine.
Molecular consequence: missense variant.
Genome position (GRCh38, 1-based): chr15:40,185,168, C>T. VCF-style: chr15-40185168-C-T. GRCh37 (hg19) VCF-style: chr15-40477369-C-T.
Other names: short protein forms P252L.
Identifiers: ClinVar variation 1759512 (VCV001759512.3), dbSNP rs2542535260, ClinGen allele CA391683743.